The following is an entry in ClinVar:

NM_004304.5(ALK):c.347C>A (p.Ala116Asp)

Gene: ALK (ALK receptor tyrosine kinase; minus strand). Cytogenetic location: 2p23.1.
Variant type: single nucleotide variant.
Coding change: c.347C>A on transcript NM_004304.5 (MANE Select); coding-DNA position 347, C replaced by A.
Protein change: p.Ala116Asp; replaces alanine 116 with aspartic acid.
Molecular consequence: missense variant.
Genome position (GRCh38, 1-based): chr2:29,920,313, G>T on the plus strand (C>A on the coding strand, the complement: ALK is on the minus strand). VCF-style: chr2-29920313-G-T. GRCh37 (hg19) VCF-style: chr2-30143179-G-T.
Other names: short protein forms A116D.
Identifiers: ClinVar variation 944870 (VCV000944870.9), dbSNP rs1572503383, ClinGen allele CA346590216.
Genomic context (GRCh38, chr2:29,920,313, plus strand): 5'-CGGAGCTTGCGCACGGAGCCGCCCTTCAGCACCCTGGACAGCGTCCGGGCCTCTGCCGGG[G>T]CTGGTGAACCGGCGGTCCAGGAGACCCCCGGCGCCGGCCCCAGCAACCTGAGCAGCGGGG-3'
Protein context (NP_004295.2, residues 106-126): PGVSWTAGSP[Ala116Asp]PAEARTLSRV

ClinVar aggregate classification (germline): Uncertain significance. Review status: criteria provided, multiple submitters, no conflicts (2 of 4 stars). 2 submissions from 2 submitters: Uncertain significance (2). Last evaluated 2025-10-13.

Conditions:
Neuroblastoma, susceptibility to, 3. Also called: ALK-Related Neuroblastic Tumor Susceptibility. Identifiers: Orphanet 635, MedGen C2751681, MONDO:0013083, OMIM 613014.
Hereditary cancer-predisposing syndrome. Also called: Neoplastic Syndromes, Hereditary; Hereditary neoplastic syndrome; Hereditary Cancer Syndrome; Tumor predisposition. Identifiers: Orphanet 140162, MedGen C0027672, MeSH D009386, MONDO:0015356.

Submissions (2):

Ambry Genetics
Classification: Uncertain significance for Hereditary cancer-predisposing syndrome. Last evaluated: 2025-10-13. Review status: criteria provided, single submitter. Criteria: Ambry Variant Classification Scheme 2023. Collection method: clinical testing. Allele origin: germline.
Comment: The p.A116D variant (also known as c.347C>A), located in coding exon 1 of the ALK gene, results from a C to A substitution at nucleotide position 347. The alanine at codon 116 is replaced by aspartic acid, an amino acid with dissimilar properties. This amino acid position is conserved. In addition, this alteration is predicted to be tolerated by in silico analysis. Since supporting evidence is limited at this time, the clinical significance of this alteration remains unclear.

Labcorp Genetics (formerly Invitae), Labcorp
Classification: Uncertain significance for Neuroblastoma, susceptibility to, 3. Last evaluated: 2021-12-20. Review status: criteria provided, single submitter. Criteria: Invitae Variant Classification Sherloc (09022015). Collection method: clinical testing. Allele origin: germline.
Comment: In summary, the available evidence is currently insufficient to determine the role of this variant in disease. Therefore, it has been classified as a Variant of Uncertain Significance. Algorithms developed to predict the effect of missense changes on protein structure and function (SIFT, PolyPhen-2, Align-GVGD) all suggest that this variant is likely to be tolerated. ClinVar contains an entry for this variant (Variation ID: 944870). This variant has not been reported in the literature in individuals affected with ALK-related conditions. This variant is not present in population databases (gnomAD no frequency). This sequence change replaces alanine, which is neutral and non-polar, with aspartic acid, which is acidic and polar, at codon 116 of the ALK protein (p.Ala116Asp).